The following is an entry in ClinVar:

ClinVar aggregate classification (germline): Likely pathogenic (1 of 4 stars; one submission).

Conditions:
Neurofibromatosis, type 1 (NF1). Also called: VON RECKLINGHAUSEN DISEASE; NEUROFIBROMATOSIS, TYPE I, SOMATIC; Peripheral type neurofibromatosis; Neurofibromatosis, type I. Identifiers: Orphanet 636, MedGen C0027831, MONDO:0018975, OMIM 162200. Disease mechanism: loss of function.

Submission:

Department of Clinical Genetics, Copenhagen University Hospital, Rigshospitalet
Classification: Likely pathogenic for Neurofibromatosis, type 1. Last evaluated: 2026-06-22. Review status: criteria provided, single submitter. Criteria: ACMG Guidelines, 2015. Collection method: clinical testing. Allele origin: germline.
Comment: The following ACMG criteria has been used: PM2_sup (not reported in gnomAD v.4.1); PP4_mod (patient with neurofibromatosis type 1), PP3_su, PS1_m

NM_001042492.3(NF1):c.2252-16T>A

Gene: NF1 (neurofibromin 1; plus strand). Cytogenetic location: 17q11.2.
Variant type: single nucleotide variant.
Coding change: c.2252-16T>A on transcript NM_001042492.3 (MANE Select); 16 bases into the intron before coding-DNA position 2252, T replaced by A.
Molecular consequence: intron variant.
Genome position (GRCh38, 1-based): chr17:31,227,202, T>A. VCF-style: chr17-31227202-T-A. GRCh37 (hg19) VCF-style: chr17-29554220-T-A.
Other names: c.2252-16T>A (NM_000267.4).
Identifiers: ClinVar variation 4871837 (VCV004871837.1).